The following is an entry in ClinVar:

ClinVar aggregate classification (germline): Uncertain significance. Review status: criteria provided, multiple submitters, no conflicts (2 of 4 stars). 2 submissions from 2 submitters: Uncertain significance (2). Last evaluated 2025-12-22.

Conditions:
Erythrocytosis, familial, 3 (ECYT3). Identifiers: Orphanet 247511, MedGen C1853286, MONDO:0012353, OMIM 609820.

Allele frequency attached by ClinVar (database versions not stated): gnomAD exomes below 0.00001; TOPMed below 0.00001.
gnomAD v4.1: 4 of 1,614,016 alleles (0.00025%); highest among the groups gnomAD compares: Non-Finnish European, 0.00034%; no homozygotes.

Submissions (2):

Ambry Genetics
Classification: Uncertain significance. Last evaluated: 2025-12-22. Review status: criteria provided, single submitter. Criteria: Ambry Variant Classification Scheme 2023. Collection method: clinical testing. Allele origin: germline.
Comment: The p.R370C variant (also known as c.1108C>T), located in coding exon 3 of the EGLN1 gene, results from a C to T substitution at nucleotide position 1108. The arginine at codon 370 is replaced by cysteine, an amino acid with highly dissimilar properties. This amino acid position is highly conserved in available vertebrate species. In addition, the in silico prediction for this alteration is inconclusive. Since supporting evidence is limited at this time, the clinical significance of this alteration remains unclear.

Labcorp Genetics (formerly Invitae), Labcorp
Classification: Uncertain significance for Erythrocytosis, familial, 3. Last evaluated: 2025-10-07. Review status: criteria provided, single submitter. Criteria: Invitae Variant Classification Sherloc (09022015). Collection method: clinical testing. Allele origin: germline.
Comment: This sequence change replaces arginine, which is basic and polar, with cysteine, which is neutral and slightly polar, at codon 370 of the EGLN1 protein (p.Arg370Cys). This variant is present in population databases (no rsID available, gnomAD 0.0009%). This variant has not been reported in the literature in individuals affected with EGLN1-related conditions. ClinVar contains an entry for this variant (Variation ID: 1794273). An algorithm developed to predict the effect of missense changes on protein structure and function (PolyPhen-2) suggests that this variant is likely to be disruptive. In summary, the available evidence is currently insufficient to determine the role of this variant in disease. Therefore, it has been classified as a Variant of Uncertain Significance.

NM_022051.3(EGLN1):c.1108C>T (p.Arg370Cys)

Gene: EGLN1 (egl-9 family hypoxia inducible factor 1; minus strand). Cytogenetic location: 1q42.2.
Variant type: single nucleotide variant.
Coding change: c.1108C>T on transcript NM_022051.3 (MANE Select); coding-DNA position 1108, C replaced by T.
Protein change: p.Arg370Cys; replaces arginine 370 with cysteine.
Molecular consequence: missense variant. On other transcripts: intron variant (1).
Genome position (GRCh38, 1-based): chr1:231,370,602, G>A on the plus strand (C>T on the coding strand, the complement: EGLN1 is on the minus strand). VCF-style: chr1-231370602-G-A. GRCh37 (hg19) VCF-style: chr1-231506348-G-A.
Other names: c.1108C>T, p.Arg370Cys (NM_001377260.1); c.1012-2966C>T (NM_001377261.1); short protein forms R370C.
Identifiers: ClinVar variation 1794273 (VCV001794273.8), dbSNP rs1289064117, ClinGen allele CA345240204.
Genomic context (GRCh38, chr1:231,370,602, plus strand): 5'-TTTCTGAAAAGGAATACTACCTTGTAGCATATGCTGGTTGTACTTCATGAGGGTTGCGAC[G>A]GTCAGACCAGAAAAACAGCAGTCTATCAAATTTGGGTTCAATGTCAGCAAACTGGGCTTT-3'
Protein context (NP_071334.1, residues 360-380): FDRLLFFWSD[Arg370Cys]RNPHEVQPAY